The following is an entry in ClinVar:

ClinVar aggregate classification (germline): Uncertain significance (1 of 4 stars; one submission).

Conditions:
Cardiovascular phenotype. Identifiers: MedGen CN230736.

gnomAD v4.1: 2 of 1,614,114 alleles (0.00012%); highest among the groups gnomAD compares: Middle Eastern, 0.016%; no homozygotes.

Submission:

Ambry Genetics
Classification: Uncertain significance for Cardiovascular phenotype. Last evaluated: 2026-08-08. Review status: criteria provided, single submitter. Criteria: Ambry Variant Classification Scheme 2023. Collection method: clinical testing. Allele origin: germline.
Comment: The p.G365V variant (also known as c.1094G>T), located in coding exon 8 of the TBX5 gene, results from a G to T substitution at nucleotide position 1094. The glycine at codon 365 is replaced by valine, an amino acid with dissimilar properties. This amino acid position is conserved. In addition, this alteration is predicted to be tolerated by in silico analysis. Based on the available evidence, the clinical significance of this variant remains unclear.

NM_181486.4(TBX5):c.1094G>T (p.Gly365Val)

Gene: TBX5 (T-box transcription factor 5; minus strand). Cytogenetic location: 12q24.21.
Variant type: single nucleotide variant.
Coding change: c.1094G>T on transcript NM_181486.4 (MANE Select); coding-DNA position 1094, G replaced by T.
Protein change: p.Gly365Val; replaces glycine 365 with valine.
Molecular consequence: missense variant.
Genome position (GRCh38, 1-based): chr12:114,355,995, C>A on the plus strand (G>T on the coding strand, the complement: TBX5 is on the minus strand). VCF-style: chr12-114355995-C-A. GRCh37 (hg19) VCF-style: chr12-114793800-C-A.
Other names: c.1094G>T, p.Gly365Val (NM_000192.3); c.944G>T, p.Gly315Val (NM_080717.4); short protein forms G315V, G365V.
Identifiers: ClinVar variation 5030563 (VCV005030563.1).
Genomic context (GRCh38, chr12:114,355,995, plus strand): 5'-GGCGCAGAGCTGGCATACATGCAAGCTTGCCGCTGTGCCGACTCTGTCCTGTAGGAGGCA[C>A]CCAGGCCCTGCTGCTGTGGATAGCTAGAGCGGTAGAAGGAATCTTCTTCACTGGGTGATG-3'
Protein context (NP_852259.1, residues 355-375): RSSYPQQQGL[Gly365Val]ASYRTESAQR